The following is an entry in ClinVar:

ClinVar aggregate classification (germline): Likely benign. Review status: criteria provided, single submitter (1 of 4 stars). 2 submissions from 2 submitters: Likely benign (1). 1 of the submissions does not count toward it. Last evaluated 2024-10-28.

Conditions:
FITM2-related disorder. Also called: FITM2-related condition.

Allele frequency attached by ClinVar (database versions not stated): 1000 Genomes Project 0.00060; 1000 Genomes Project 30x 0.00062.
gnomAD v4.1: 173 of 1,614,182 alleles (0.011%); highest among the groups gnomAD compares: East Asian, 0.29%; no homozygotes.

Submissions (2):

Blueprint Genetics
Classification: Likely benign. Last evaluated: 2024-10-28. Review status: criteria provided, single submitter. Criteria: ACMG Guidelines, 2015. Collection method: clinical testing. Allele origin: germline.

PreventionGenetics, part of Exact Sciences
Classification: Likely benign for FITM2-related condition. Last evaluated: 2020-03-24. Review status: no assertion criteria provided. Collection method: clinical testing. Allele origin: germline. Not counted in ClinVar's aggregate classification.
Comment: This variant is classified as likely benign based on ACMG/AMP sequence variant interpretation guidelines (Richards et al. 2015 PMID: 25741868, with internal and published modifications).

NM_001080472.4(FITM2):c.252C>T (p.Thr84=)

Gene: FITM2 (fat storage inducing transmembrane protein 2; minus strand). Cytogenetic location: 20q13.12.
Variant type: single nucleotide variant.
Coding change: c.252C>T on transcript NM_001080472.4 (MANE Select); coding-DNA position 252, C replaced by T.
Protein change: p.Thr84=; no amino-acid change (threonine 84 retained).
Molecular consequence: synonymous variant.
Genome position (GRCh38, 1-based): chr20:44,307,162, G>A on the plus strand (C>T on the coding strand, the complement: FITM2 is on the minus strand). VCF-style: chr20-44307162-G-A. GRCh37 (hg19) VCF-style: chr20-42935802-G-A.
Identifiers: ClinVar variation 3047868 (VCV003047868.3), dbSNP rs147548991, ClinGen allele CA9869631.
Genomic context (GRCh38, chr20:44,307,162, plus strand): 5'-CCAGATGGCCGTGCCCACAAGCAGGGTGCTCAGCCGCCGCAGGACCAAGCCAGCCTTGCC[G>A]GTCAGATGGTAGTTGGTGAGGGCAATGAAAGGCAGAAGGAGACAGAACGTCCAGGCCCAG-3'
Protein context (NP_001073941.1, residues 74-94): PFIALTNYHL[Thr84=]GKAGLVLRRL